The following is an entry in ClinVar:

NM_004336.5(BUB1):c.3061A>T (p.Arg1021Trp)

Gene: BUB1 (BUB1 mitotic checkpoint serine/threonine kinase; minus strand). Cytogenetic location: 2q13.
Variant type: single nucleotide variant.
Coding change: c.3061A>T on transcript NM_004336.5 (MANE Select); coding-DNA position 3061, A replaced by T.
Protein change: p.Arg1021Trp; replaces arginine 1021 with tryptophan.
Molecular consequence: missense variant.
Genome position (GRCh38, 1-based): chr2:110,639,743, T>A on the plus strand (A>T on the coding strand, the complement: BUB1 is on the minus strand). VCF-style: chr2-110639743-T-A. GRCh37 (hg19) VCF-style: chr2-111397320-T-A.
Other names: c.3001A>T, p.Arg1001Trp (NM_001278616.2); c.2890A>T, p.Arg964Trp (NM_001278617.2); short protein forms R1001W, R1021W, R964W.
Identifiers: ClinVar variation 3224081 (VCV003224081.1), dbSNP rs2467966962, ClinGen allele CA348088661.

ClinVar aggregate classification (germline): Uncertain significance (1 of 4 stars; one submission).

Submission:

Ambry Genetics
Classification: Uncertain significance. Last evaluated: 2023-09-16. Review status: criteria provided, single submitter. Criteria: Ambry Variant Classification Scheme 2023. Collection method: clinical testing. Allele origin: germline.
Comment: The p.R1021W variant (also known as c.3061A>T), located in coding exon 24 of the BUB1 gene, results from an A to T substitution at nucleotide position 3061. The arginine at codon 1021 is replaced by tryptophan, an amino acid with dissimilar properties. This amino acid position is conserved. In addition, this alteration is predicted to be deleterious by in silico analysis. Since supporting evidence is limited at this time, the clinical significance of this alteration remains unclear.